The following is an entry in ClinVar:

NM_001164508.2(NEB):c.19429C>A (p.Arg6477Ser)

Genes: NEB (nebulin; minus strand), LOC126806373 (BRD4-independent group 4 enhancer GRCh37_chr2:152410007-152411206; plus strand). Cytogenetic location: 2q23.3.
Variant type: single nucleotide variant.
Coding change: c.19429C>A on transcript NM_001164508.2 (MANE Select); coding-DNA position 19429, C replaced by A.
Protein change: p.Arg6477Ser; replaces arginine 6477 with serine.
Molecular consequence: missense variant.
Genome position (GRCh38, 1-based): chr2:151,554,025, G>T on the plus strand (C>A on the coding strand, the complement: NEB is on the minus strand). VCF-style: chr2-151554025-G-T. GRCh37 (hg19) VCF-style: chr2-152410539-G-T.
Other names: c.19429C>A, p.Arg6477Ser (NM_001164507.2, NM_001271208.2); c.14326C>A, p.Arg4776Ser (NM_004543.5); c.14326C>A (NM_004543.4); short protein forms R4776S, R6477S.
Identifiers: ClinVar variation 1973518 (VCV001973518.3), dbSNP rs765181095, ClinGen allele CA348791913.

ClinVar aggregate classification (germline): Uncertain significance. Review status: criteria provided, multiple submitters, no conflicts (2 of 4 stars). 2 submissions from 2 submitters: Uncertain significance (2). Last evaluated 2025-01-16.

Conditions:
Inborn genetic diseases. Identifiers: MedGen C0950123, MeSH D030342.
Nemaline myopathy 2 (NEM2). Also called: Nemaline myopathy 2, autosomal recessive. Identifiers: MedGen C1850569, MONDO:0009725, OMIM 256030.

Submissions (2):

Ambry Genetics
Classification: Uncertain significance for Inborn genetic diseases. Last evaluated: 2025-01-16. Review status: criteria provided, single submitter. Criteria: Ambry Variant Classification Scheme 2023. Collection method: clinical testing. Allele origin: germline.

Labcorp Genetics (formerly Invitae), Labcorp
Classification: Uncertain significance for Nemaline myopathy 2. Last evaluated: 2022-04-11. Review status: criteria provided, single submitter. Criteria: Invitae Variant Classification Sherloc (09022015). Collection method: clinical testing. Allele origin: germline.
Comment: This sequence change replaces arginine, which is basic and polar, with serine, which is neutral and polar, at codon 6477 of the NEB protein (p.Arg6477Ser). This variant is not present in population databases (gnomAD no frequency). This variant has not been reported in the literature in individuals affected with NEB-related conditions. Algorithms developed to predict the effect of missense changes on protein structure and function are either unavailable or do not agree on the potential impact of this missense change (SIFT: "Deleterious"; PolyPhen-2: "Not Available"; Align-GVGD: "Class C0"). In summary, the available evidence is currently insufficient to determine the role of this variant in disease. Therefore, it has been classified as a Variant of Uncertain Significance.